The following is an entry in ClinVar:

ClinVar aggregate classification (germline): Pathogenic (1 of 4 stars; one submission).

Conditions:
Niemann-Pick disease, type C1. Also called: NIEMANN-PICK DISEASE, VARIANT TYPE C1; NEUROVISCERAL STORAGE DISEASE WITH VERTICAL SUPRANUCLEAR OPHTHALMOPLEGIA; NIEMANN-PICK DISEASE WITH CHOLESTEROL ESTERIFICATION BLOCK; NIEMANN-PICK DISEASE WITHOUT SPHINGOMYELINASE DEFICIENCY; NIEMANN-PICK DISEASE, CHRONIC NEURONOPATHIC FORM. Identifiers: Orphanet 646, MedGen C3179455, MONDO:0009757, OMIM 257220.

Submission:

Labcorp Genetics (formerly Invitae), Labcorp
Classification: Pathogenic for Niemann-Pick disease, type C1. Last evaluated: 2023-08-09. Review status: criteria provided, single submitter. Criteria: Invitae Variant Classification Sherloc (09022015). Collection method: clinical testing. Allele origin: germline.
Comment: This sequence change creates a premature translational stop signal (p.Phe288Leufs*22) in the NPC1 gene. It is expected to result in an absent or disrupted protein product. Loss-of-function variants in NPC1 are known to be pathogenic (PMID: 9211850). This variant is not present in population databases (gnomAD no frequency). This premature translational stop signal has been observed in individual(s) with NPC1-related conditions (PMID: 30737051). For these reasons, this variant has been classified as Pathogenic.

Literature cited by the submitters: PubMed 9211850; PubMed 30737051.

NM_000271.5(NPC1):c.864del (p.Phe288fs)

Gene: NPC1 (NPC intracellular cholesterol transporter 1; minus strand). Cytogenetic location: 18q11.2.
Variant type: Deletion.
Coding change: c.864del on transcript NM_000271.5 (MANE Select); coding-DNA position 864, one base deleted (T; older notation c.864delT).
Protein change: p.Phe288fs; shifts the reading frame from phenylalanine 288.
Molecular consequence: frameshift variant.
Genome position (GRCh38, 1-based): chr18:23,560,248, A deleted on the plus strand (T on the coding strand, the reverse complement: NPC1 is on the minus strand); the first of 6 consecutive A bases (chr18:23,560,248-23,560,253); deleting any one gives the same sequence. VCF-style (leftmost placement, unchanged base first): chr18-23560247-CA-C. GRCh37 (hg19) VCF-style: chr18-21140211-CA-C.
Other names: short protein forms F288fs.
Identifiers: ClinVar variation 2884078 (VCV002884078.3), dbSNP rs2145479494, ClinGen allele CA503521986.
Genomic context (GRCh38, chr18:23,560,247, plus strand): 5'-CAATTTTGCTCTTTTTGCCCTGGATGACAAACAAAACTGCTTACCTGTAGCACCACACTG[CA>C]AAAAATGCTCCAAAAAACACAAGCAAAAACGCCATGTAGGTGATCCACATGATGACATAC-3'